The following is an entry in ClinVar:

NM_018406.7(MUC4):c.13146C>T (p.Leu4382=)

Gene: MUC4 (mucin 4, cell surface associated). Cytogenetic location: 3q29.
Variant type: single nucleotide variant.
Coding change: c.13146C>T on transcript NM_018406.7 (MANE Select); coding-DNA position 13146, C replaced by T.
Protein change: p.Leu4382=; no amino-acid change (leucine 4382 retained).
Molecular consequence: synonymous variant.
Genome position (GRCh38, 1-based): chr3:195,771,748, G>A on the plus strand (C>T on the coding strand, the complement: MUC4 is on the minus strand). VCF-style: chr3-195771748-G-A. GRCh37 (hg19) VCF-style: chr3-195498619-G-A.
Other names: c.438C>T, p.Leu146= (NM_004532.6); c.285C>T, p.Leu95= (NM_138297.5).
Identifiers: ClinVar variation 4533897 (VCV004533897.6).
Genomic context (GRCh38, chr3:195,771,748, plus strand): 5'-AGCATCGTCCCAGAACGGAGCCACCAGGGCCACAGGGTCCCGGCCTGTGAAGCCTGTTGG[G>A]AGTGGGTTGGGGTAGGAGAAAATCTGGTAGTCTGACTCTGGGAAGATGATCTGGCCATTG-3'
Protein context (NP_060876.5, residues 4372-4392): DYQIFSYPNP[Leu4382=]PTGFTGRDPV

ClinVar aggregate classification (germline): Likely benign (1 of 4 stars; one submission).

gnomAD v4.1: 2 of 1,613,968 alleles (0.00012%); highest among the groups gnomAD compares: African/African-American, 0.0013%; no homozygotes.

Submission:

CeGaT Center for Human Genetics Tuebingen
Classification: Likely benign. Last evaluated: 2025-10-01. Review status: criteria provided, single submitter. Criteria: CeGaT Center For Human Genetics Tuebingen Variant Classification Criteria Version 2. Collection method: clinical testing. Allele origin: germline. Affected: yes. Observed: 1 variant allele.
Comment: MUC4: BP4, BP7